The following is an entry in ClinVar:

ClinVar aggregate classification (germline): Uncertain significance. Review status: criteria provided, multiple submitters, no conflicts (2 of 4 stars). 4 submissions from 4 submitters: Uncertain significance (4). Last evaluated 2026-01-20.

Conditions:
Immunodeficiency 66. Identifiers: MedGen C5394265, MONDO:0030013, OMIM 618847.

Allele frequency attached by ClinVar (database versions not stated): ExAC 0.00005.
gnomAD v4.1: 64 of 1,605,216 alleles (0.004%); highest among the groups gnomAD compares: Middle Eastern, 0.049%; no homozygotes.

Submissions (4):

Labcorp Genetics (formerly Invitae), Labcorp
Classification: Uncertain significance. Last evaluated: 2026-01-20. Review status: criteria provided, single submitter. Criteria: Invitae Variant Classification Sherloc (09022015). Collection method: clinical testing. Allele origin: germline.
Comment: This sequence change replaces valine, which is neutral and non-polar, with methionine, which is neutral and non-polar, at codon 453 of the MKL1 protein (p.Val453Met). This variant is present in population databases (rs543904613, gnomAD 0.009%). This variant has not been reported in the literature in individuals affected with MKL1-related conditions. ClinVar contains an entry for this variant (Variation ID: 1683058). An algorithm developed to predict the effect of missense changes on protein structure and function (PolyPhen-2) suggests that this variant is likely to be disruptive. In summary, the available evidence is currently insufficient to determine the role of this variant in disease. Therefore, it has been classified as a Variant of Uncertain Significance.

Blueprint Genetics
Classification: Uncertain significance. Last evaluated: 2024-11-21. Review status: criteria provided, single submitter. Criteria: ACMG Guidelines, 2015. Collection method: clinical testing. Allele origin: germline.

Ambry Genetics
Classification: Uncertain significance. Last evaluated: 2024-01-08. Review status: criteria provided, single submitter. Criteria: Ambry Variant Classification Scheme 2023. Collection method: clinical testing. Allele origin: germline.

Fulgent Genetics
Classification: Uncertain significance for Immunodeficiency 66. Last evaluated: 2022-04-11. Review status: criteria provided, single submitter. Criteria: ACMG Guidelines, 2015. Collection method: clinical testing. Allele origin: unknown.

NM_020831.6(MRTFA):c.1657G>A (p.Val553Met)

Gene: MRTFA (myocardin related transcription factor A; minus strand). Cytogenetic location: 22q13.1.
Variant type: single nucleotide variant.
Coding change: c.1657G>A on transcript NM_020831.6 (MANE Select); coding-DNA position 1657, G replaced by A.
Protein change: p.Val553Met; replaces valine 553 with methionine.
Molecular consequence: missense variant.
Genome position (GRCh38, 1-based): chr22:40,419,081, C>T on the plus strand (G>A on the coding strand, the complement: MRTFA is on the minus strand). VCF-style: chr22-40419081-C-T. GRCh37 (hg19) VCF-style: chr22-40815085-C-T.
Other names: c.1357G>A, p.Val453Met (NM_001282660.2); c.1507G>A, p.Val503Met (NM_001282661.3); c.1657G>A, p.Val553Met (NM_001282662.3); c.1462G>A, p.Val488Met (NM_001318139.2); c.1357G>A (NM_020831.3); short protein forms V453M, V488M, V503M, V553M.
Identifiers: ClinVar variation 1683058 (VCV001683058.11), dbSNP rs543904613, ClinGen allele CA10249603.